The following is an entry in ClinVar:

ClinVar aggregate classification (germline): Uncertain significance (1 of 4 stars; one submission).

Conditions:
Spondylodysplastic Ehlers-Danlos syndrome. Identifiers: Orphanet 536471, Orphanet 75496, MedGen C5680154, MONDO:0007526.

Allele frequency attached by ClinVar (database versions not stated): TOPMed below 0.00001; gnomAD 0.00001.

Submission:

Labcorp Genetics (formerly Invitae), Labcorp
Classification: Uncertain significance for Spondylodysplastic Ehlers-Danlos syndrome. Last evaluated: 2022-04-28. Review status: criteria provided, single submitter. Criteria: Invitae Variant Classification Sherloc (09022015). Collection method: clinical testing. Allele origin: germline.
Comment: This sequence change affects codon 69 of the B4GALT7 mRNA. It is a 'silent' change, meaning that it does not change the encoded amino acid sequence of the B4GALT7 protein. This variant is present in population databases (no rsID available, gnomAD 0.003%). This variant has not been reported in the literature in individuals affected with B4GALT7-related conditions. Algorithms developed to predict the effect of sequence changes on RNA splicing suggest that this variant may create or strengthen a splice site. In summary, the available evidence is currently insufficient to determine the role of this variant in disease. Therefore, it has been classified as a Variant of Uncertain Significance.

NM_007255.3(B4GALT7):c.207G>A (p.Ser69=)

Gene: B4GALT7 (beta-1,4-galactosyltransferase 7; plus strand). Cytogenetic location: 5q35.3.
Variant type: single nucleotide variant.
Coding change: c.207G>A on transcript NM_007255.3 (MANE Select); coding-DNA position 207, G replaced by A.
Protein change: p.Ser69=; no amino-acid change (serine 69 retained).
Molecular consequence: synonymous variant.
Genome position (GRCh38, 1-based): chr5:177,604,335, G>A. VCF-style: chr5-177604335-G-A. GRCh37 (hg19) VCF-style: chr5-177031336-G-A.
Identifiers: ClinVar variation 2172437 (VCV002172437.2), dbSNP rs1175963135, ClinGen allele CA447984145.